The following is an entry in ClinVar:

ClinVar aggregate classification (germline): Benign/Likely benign. Review status: criteria provided, multiple submitters, no conflicts (2 of 4 stars). 7 submissions from 7 submitters: Benign (1); Likely benign (5). 1 of the submissions does not count toward it. Last evaluated 2026-05-08.

Conditions:
Polycystic kidney disease. Also called: Kidney, Polycystic; Polycystic kidney dysplasia. Identifiers: MedGen C0022680, MeSH D007690, MONDO:0020642, HP:0000113.
Polycystic kidney disease, adult type (PKD1). Also called: Polycystic Kidney Disease 1, Autosomal Dominant; Polycystic kidney disease 1; Polycystic kidney disease 1, severe; Polycystic Kidney, Autosomal Dominant; POLYCYSTIC KIDNEY DISEASE 1 WITH OR WITHOUT POLYCYSTIC LIVER DISEASE; POLYCYSTIC KIDNEY DISEASE, ADULT, TYPE I. Identifiers: MedGen C3149841, MONDO:0008263, OMIM 173900.

Allele frequency attached by ClinVar (database versions not stated): gnomAD exomes 0.00082; ExAC 0.00107; 1000 Genomes Project 0.00339; 1000 Genomes Project 30x 0.00344; gnomAD 0.00352 and 0.00383; TOPMed 0.00406; ESP Exome Variant Server 0.00433.
gnomAD v4.1: 1,037 of 1,602,052 alleles (0.065%); highest among the groups gnomAD compares: African/African-American, 1.2%; 5 homozygotes.

Submissions (7):

Women's Health and Genetics/Laboratory Corporation of America, LabCorp
Classification: Likely benign. Last evaluated: 2026-05-08. Review status: criteria provided, single submitter. Criteria: LabCorp Variant Classification Summary - May 2015. Collection method: clinical testing. Allele origin: germline.
Comment: Variant summary: PKD1 c.10234C>T (p.Pro3412Ser) results in a non-conservative amino acid change in the encoded protein sequence. Algorithms developed to predict the effect of missense changes on protein structure and function are either unavailable or do not agree on the potential impact of this missense change. The variant allele was found at a frequency of 0.00082 in 237998 control chromosomes, predominantly at a frequency of 0.012 within the African or African-American subpopulation in the gnomAD database. The observed variant frequency within African or African-American control individuals in the gnomAD database exceeds the estimated maximal expected allele frequency for disease-causing variants in PKD1. To our knowledge, no occurrence of c.10234C>T in individuals affected with PKD1-related conditions and no experimental evidence demonstrating its impact on protein function have been reported. ClinVar contains an entry for this variant (Variation ID: 811137). Based on the evidence outlined above, the variant was classified as likely benign.

Mayo Clinic Laboratories, Mayo Clinic
Classification: Likely benign. Last evaluated: 2024-12-30. Review status: criteria provided, single submitter. Criteria: ACMG Guidelines, 2015. Collection method: clinical testing. Allele origin: germline. Observed: 8 variant alleles.
Comment: BS1, BS2, BP4_moderate

Fulgent Genetics
Classification: Likely benign for Polycystic kidney disease, adult type. Last evaluated: 2021-11-04. Review status: criteria provided, single submitter. Criteria: ACMG Guidelines, 2015. Collection method: clinical testing. Allele origin: unknown.

Athena Diagnostics
Classification: Benign. Last evaluated: 2021-06-07. Review status: criteria provided, single submitter. Criteria: Athena Diagnostics criteria. Collection method: clinical testing. Allele origin: unknown.

ARUP Laboratories, Molecular Genetics and Genomics, ARUP Laboratories
Classification: Likely benign for Polycystic kidney disease, adult type. Last evaluated: 2018-10-01. Review status: criteria provided, single submitter. Criteria: ARUP Molecular Germline Variant Investigation Process. Collection method: clinical testing. Allele origin: germline.

Breakthrough Genomics
Classification: Likely benign. Review status: criteria provided, single submitter. Criteria: ACMG Guidelines, 2015. Collection method: not provided. Allele origin: germline. Inheritance: Autosomal dominant inheritance. Affected: yes.

Department of Pathology and Laboratory Medicine, Sinai Health System
Classification: Benign for Polycystic Kidney disease. Review status: no assertion criteria provided. Collection method: clinical testing. Allele origin: unknown. Affected: yes. Observed: 1 variant allele. Study: The Canadian Open Genetics Repository (COGR). Not counted in ClinVar's aggregate classification.
Comment: The PKD1 p.Pro3412Ser variant was identified in 2 of 404 proband chromosomes (frequency: 0.00495) from individuals or families with PKD, and classified as â€šÃ„Ãºlikely polymorphicâ€šÃ„Ã¹ (Rossetti 2007). The variant was also identified in dbSNP (ID: rs149605181) as â€šÃ„ÃºNAâ€šÃ„Ã¹, and ADPKD Mutation Database (as "likely neutral"). The variant was not identified in ClinVar, Clinvitae, LOVD 3.0, and PKD1-LOVD databases. The variant was identified in control databases in 288 of 265110 chromosomes at a frequency of 0.001086 in the following populations: African at greater than 1% in 266 (1 homozygous) of 23052 (freq. 0.0115), Latino in 17 of 34330 chromosomes (freq. 0.0005), Other in 1 of 6320 chromosomes (freq. 0.0002), East Asian in 2 of 18666 chromosomes (freq. 0.0001), and European (Non-Finnish) in 2 of 123276 chromosomes (freq. 0.00002), increasing the likelihood this could be a low frequency benign variant (Genome Aggregation Consortium Feb 27, 2017). In addition we cannot be certain that data from control databases is specific to PKD1 and not from one of the six PKD1 pseudogenes. The p.Pro3412Ser residue is not conserved in mammals and computational analyses (PolyPhen-2, SIFT, AlignGVGD, BLOSUM, MutationTaster) provide inconsistent predictions regarding the impact to the protein; this information is not very predictive of pathogenicity. The variant occurs outside of the splicing consensus sequence and in silico or computational prediction software programs (SpliceSiteFinder, MaxEntScan, NNSPLICE, GeneSplicer, HumanSpliceFinder) do not predict a difference in splicing. In summary, based on the above information, this variant meets our laboratory criteria to be classified as benign.

Literature cited by the submitters: PubMed 17582161 (cited by Mayo Clinic Laboratories, Mayo Clinic and Athena Diagnostics).

NM_001009944.3(PKD1):c.10234C>T (p.Pro3412Ser)

Gene: PKD1 (polycystin 1, transient receptor potential channel interacting; minus strand). Cytogenetic location: 16p13.3.
Variant type: single nucleotide variant.
Coding change: c.10234C>T on transcript NM_001009944.3 (MANE Select); coding-DNA position 10234, C replaced by T.
Protein change: p.Pro3412Ser; replaces proline 3412 with serine.
Molecular consequence: missense variant.
Genome position (GRCh38, 1-based): chr16:2,097,490, G>A on the plus strand (C>T on the coding strand, the complement: PKD1 is on the minus strand). VCF-style: chr16-2097490-G-A. GRCh37 (hg19) VCF-style: chr16-2147491-G-A.
Other names: p.Pro3412Ser; c.10231C>T, p.Pro3411Ser (NM_000296.4); short protein forms P3411S, P3412S.
Identifiers: ClinVar variation 811137 (VCV000811137.15), dbSNP rs149605181, ClinGen allele CA7829690.